The following is an entry in ClinVar:

NC_000016.10:g.(?_9829403)_(9829672_?)del

Gene: GRIN2A (glutamate ionotropic receptor NMDA type subunit 2A; minus strand). Cytogenetic location: 16p13.2.
Variant type: Deletion.
Identifiers: ClinVar variation 831053 (VCV000831053.11).

ClinVar aggregate classification (germline): Pathogenic (1 of 4 stars; one submission).

Conditions:
Landau-Kleffner syndrome (FESD). Also called: APHASIA, ACQUIRED, WITH EPILEPSY; EPILEPSY, FOCAL, WITH SPEECH DISORDER AND WITH OR WITHOUT MENTAL RETARDATION. Identifiers: Orphanet 1945, Orphanet 725, Orphanet 98818, MedGen C0282512, MONDO:0009509, OMIM 245570.

Submission:

Labcorp Genetics (formerly Invitae), Labcorp
Classification: Pathogenic for Landau-Kleffner syndrome. Last evaluated: 2022-03-19. Review status: criteria provided, single submitter. Criteria: Invitae Variant Classification Sherloc (09022015). Collection method: clinical testing. Allele origin: germline.
Comment: For these reasons, this variant has been classified as Pathogenic. A similar copy number variant has been observed in individual(s) with clinical features of GRIN2A-related conditions (PMID: 29655203; Invitae). This variant is a gross deletion of the genomic region encompassing exon(s) 10 of the GRIN2A gene. This deletion is out-of-frame, and is expected to create a premature termination codon and result in an absent or disrupted protein product. Loss-of-function variants in GRIN2A are known to be pathogenic (PMID: 23933819, 23933820).

Literature cited by the submitters: PubMed 29655203; PubMed 23933819; PubMed 23933820.